The following is an entry in ClinVar:

ClinVar aggregate classification (germline): Pathogenic/Likely pathogenic. Review status: criteria provided, multiple submitters, no conflicts (2 of 4 stars). 2 submissions from 2 submitters: Pathogenic (1); Likely pathogenic (1). Last evaluated 2022-09-29.

Conditions:
Enhanced S-cone syndrome (ESCS). Identifiers: Orphanet 53540, MedGen C1849394, MONDO:0100288, MONDO:0009989.

Submissions (2):

Baylor Genetics
Classification: Likely pathogenic for ENHANCED S-CONE SYNDROME 1. Last evaluated: 2022-09-29. Review status: criteria provided, single submitter. Criteria: ACMG Guidelines, 2015. Collection method: clinical testing. Allele origin: unknown.

Labcorp Genetics (formerly Invitae), Labcorp
Classification: Pathogenic. Last evaluated: 2020-07-30. Review status: criteria provided, single submitter. Criteria: Invitae Variant Classification Sherloc (09022015). Collection method: clinical testing. Allele origin: germline.
Comment: This variant has not been reported in the literature in individuals with NR2E3-related conditions. For these reasons, this variant has been classified as Pathogenic. Loss-of-function variants in NR2E3 are known to be pathogenic (PMID: 15459973, 27522502). This variant is not present in population databases (ExAC no frequency). This sequence change creates a premature translational stop signal (p.Tyr81Leufs*60) in the NR2E3 gene. It is expected to result in an absent or disrupted protein product.

Literature cited by the submitters: PubMed 15459973 (cited by Labcorp Genetics (formerly Invitae), Labcorp); PubMed 27522502 (cited by Labcorp Genetics (formerly Invitae), Labcorp).

NM_014249.4(NR2E3):c.241dup (p.Tyr81fs)

Gene: NR2E3 (nuclear receptor subfamily 2 group E member 3; plus strand). Cytogenetic location: 15q23.
Variant type: Duplication.
Coding change: c.241dup on transcript NM_014249.4 (MANE Select); coding-DNA position 241, one base duplicated (T; older notation c.241dupT).
Protein change: p.Tyr81fs; shifts the reading frame from tyrosine 81.
Molecular consequence: frameshift variant.
Genome position (GRCh38, 1-based): chr15:71,811,605, T duplicated. VCF-style (leftmost placement, unchanged base first): chr15-71811604-C-CT. GRCh37 (hg19) VCF-style: chr15-72103944-C-CT.
Other names: c.241dup, p.Tyr81fs (NM_016346.4); short protein forms Y81fs.
Identifiers: ClinVar variation 1068708 (VCV001068708.8), dbSNP rs2140288872, ClinGen allele CA2499223071.